The following is an entry in ClinVar:

ClinVar aggregate classification (germline): Uncertain significance (1 of 4 stars; one submission).

Conditions:
Wilms tumor 1 (WT1). Also called: Wilms tumor, somatic. Identifiers: Orphanet 654, MedGen CN033288, MONDO:0008679, OMIM 194070.

Allele frequency attached by ClinVar (database versions not stated): gnomAD exomes below 0.00001.
gnomAD v4.1: 2 of 1,211,387 alleles (0.00017%); highest among the groups gnomAD compares: South Asian, 0.0018%; no homozygotes.

Submission:

Labcorp Genetics (formerly Invitae), Labcorp
Classification: Uncertain significance for Wilms tumor 1. Last evaluated: 2022-07-11. Review status: criteria provided, single submitter. Criteria: Invitae Variant Classification Sherloc (09022015). Collection method: clinical testing. Allele origin: germline.
Comment: This sequence change replaces isoleucine, which is neutral and non-polar, with threonine, which is neutral and polar, at codon 237 of the GPC3 protein (p.Ile237Thr). In summary, the available evidence is currently insufficient to determine the role of this variant in disease. Therefore, it has been classified as a Variant of Uncertain Significance. Algorithms developed to predict the effect of missense changes on protein structure and function are either unavailable or do not agree on the potential impact of this missense change (SIFT: "Tolerated"; PolyPhen-2: "Probably Damaging"; Align-GVGD: "Class C0"). This variant has not been reported in the literature in individuals affected with GPC3-related conditions. This variant is not present in population databases (gnomAD no frequency).

NM_004484.4(GPC3):c.710T>C (p.Ile237Thr)

Gene: GPC3 (glypican 3; minus strand). Cytogenetic location: Xq26.2.
Variant type: single nucleotide variant.
Coding change: c.710T>C on transcript NM_004484.4 (MANE Select); coding-DNA position 710, T replaced by C.
Protein change: p.Ile237Thr; replaces isoleucine 237 with threonine.
Molecular consequence: missense variant.
Genome position (GRCh38, 1-based): chrX:133,753,804, A>G on the plus strand (T>C on the coding strand, the complement: GPC3 is on the minus strand). VCF-style: chrX-133753804-A-G. GRCh37 (hg19) VCF-style: chrX-132887831-A-G.
Other names: c.710T>C, p.Ile237Thr (NM_001164617.2); c.662T>C, p.Ile221Thr (NM_001164618.2); c.548T>C, p.Ile183Thr (NM_001164619.2); short protein forms I183T, I221T, I237T.
Identifiers: ClinVar variation 1970313 (VCV001970313.5), dbSNP rs1270406974, ClinGen allele CA414706031.